The following is an entry in ClinVar:

NM_002528.7(NTHL1):c.469del (p.Leu157fs)

Gene: NTHL1 (nth like DNA glycosylase 1; minus strand). Cytogenetic location: 16p13.3.
Variant type: Deletion.
Coding change: c.469del on transcript NM_002528.7 (MANE Select); coding-DNA position 469, one base deleted (C; older notation c.469delC).
Protein change: p.Leu157fs; shifts the reading frame from leucine 157.
Molecular consequence: frameshift variant. On other transcripts: intron variant (1).
Genome position (GRCh38, 1-based): chr16:2,044,686, G deleted on the plus strand (C on the coding strand, the reverse complement: NTHL1 is on the minus strand); the first of 2 consecutive G bases (chr16:2,044,686-2,044,687); deleting either gives the same sequence. VCF-style (leftmost placement, unchanged base first): chr16-2044685-AG-A. GRCh37 (hg19) VCF-style: chr16-2094686-AG-A.
Other names: c.139del, p.Leu47fs (NM_001318194.2); c.355-960del (NM_001318193.2); short protein forms L157fs, L47fs.
Identifiers: ClinVar variation 2135297 (VCV002135297.6), dbSNP rs2548316221, ClinGen allele CA2580090586.

ClinVar aggregate classification (germline): Pathogenic. Review status: criteria provided, multiple submitters, no conflicts (2 of 4 stars). 2 submissions from 2 submitters: Pathogenic (2). Last evaluated 2026-01-26.

Conditions:
Familial adenomatous polyposis 3. Also called: NTHL1-Related Adenomatous Polyposis and Colorectal Cancer; NTHL1-related attenuated familial adenomatous polyposis; NTHL1 Tumor Syndrome; NTHL1-associated polyposis. Identifiers: Orphanet 220460, Orphanet 454840, MedGen C4225157, MONDO:0014630, OMIM 616415.

Submissions (2):

Labcorp Genetics (formerly Invitae), Labcorp
Classification: Pathogenic. Last evaluated: 2026-01-26. Review status: criteria provided, single submitter. Criteria: Invitae Variant Classification Sherloc (09022015). Collection method: clinical testing. Allele origin: germline.
Comment: This sequence change creates a premature translational stop signal (p.Leu165Cysfs*22) in the NTHL1 gene. It is expected to result in an absent or disrupted protein product. Loss-of-function variants in NTHL1 are known to be pathogenic (PMID: 25938944, 26559593). This variant is not present in population databases (gnomAD no frequency). This variant has not been reported in the literature in individuals affected with NTHL1-related conditions. ClinVar contains an entry for this variant (Variation ID: 2135297). For these reasons, this variant has been classified as Pathogenic.

Myriad Genetics, Inc.
Classification: Pathogenic for Familial adenomatous polyposis 3. Last evaluated: 2023-06-12. Review status: criteria provided, single submitter. Criteria: Myriad Autosomal Dominant, Autosomal Recessive and X-Linked Classification Criteria (2023). Collection method: clinical testing. Allele origin: unknown.
Comment: This variant is considered pathogenic. This variant creates a frameshift predicted to result in premature protein truncation.

Literature cited by the submitters: PubMed 25938944 (cited by Labcorp Genetics (formerly Invitae), Labcorp); PubMed 26559593 (cited by Labcorp Genetics (formerly Invitae), Labcorp).